The following is an entry in ClinVar:

NM_007215.4(POLG2):c.239G>A (p.Ser80Asn)

Genes: MILR1 (mast cell immunoglobulin like receptor 1; plus strand), POLG2 (DNA polymerase gamma 2, accessory subunit; minus strand). Cytogenetic location: 17q23.3.
Variant type: single nucleotide variant.
Coding change: c.239G>A on transcript NM_007215.4 (MANE Select); coding-DNA position 239, G replaced by A.
Protein change: p.Ser80Asn; replaces serine 80 with asparagine.
Molecular consequence: missense variant.
Genome position (GRCh38, 1-based): chr17:64,496,730, C>T on the plus strand (G>A on the coding strand, the complement: POLG2 is on the minus strand). VCF-style: chr17-64496730-C-T. GRCh37 (hg19) VCF-style: chr17-62492848-C-T.
Other names: short protein forms S80N.
Identifiers: ClinVar variation 4694975 (VCV004694975.1).
Genomic context (GRCh38, chr17:64,496,730, plus strand): 5'-CCGAAGCCGGGGTGGCACCCACTCAGAAGAGAATCCCGGCTAAGCTGCTGCTTGCTTCCA[C>T]TTAGGAAATGCCTTCTCTGACAGATCTCTAACAGCGCCTCGCTTCCCTCTCCAGACCCGG-3'
Protein context (NP_009146.2, residues 70-90): LEICQRRHFL[Ser80Asn]GSKQQLSRDS

ClinVar aggregate classification (germline): Uncertain significance (1 of 4 stars; one submission).

Submission:

Labcorp Genetics (formerly Invitae), Labcorp
Classification: Uncertain significance. Last evaluated: 2025-12-19. Review status: criteria provided, single submitter. Criteria: Invitae Variant Classification Sherloc (09022015). Collection method: clinical testing. Allele origin: germline.
Comment: This sequence change replaces serine, which is neutral and polar, with asparagine, which is neutral and polar, at codon 80 of the POLG2 protein (p.Ser80Asn). This variant is not present in population databases (gnomAD no frequency). This variant has not been reported in the literature in individuals affected with POLG2-related conditions. An algorithm developed to predict the effect of missense changes on protein structure and function outputs the following: PolyPhen-2: "Benign". The asparagine amino acid residue is found in multiple mammalian species, which suggests that this missense change does not adversely affect protein function. In summary, the available evidence is currently insufficient to determine the role of this variant in disease. Therefore, it has been classified as a Variant of Uncertain Significance.